The following is an entry in ClinVar:

ClinVar aggregate classification (germline): Uncertain significance (1 of 4 stars; one submission).

Submission:

GeneDx
Classification: Uncertain significance. Last evaluated: 2021-04-19. Review status: criteria provided, single submitter. Criteria: GeneDx Variant Classification Process June 2021. Collection method: clinical testing. Allele origin: germline. Affected: yes.
Comment: Not observed in large population cohorts (Lek et al., 2016); In silico analysis supports that this missense variant has a deleterious effect on protein structure/function; Has not been previously published as pathogenic or benign to our knowledge

NM_001001331.4(ATP2B2):c.2113A>T (p.Ile705Phe)

Gene: ATP2B2 (ATPase plasma membrane Ca2+ transporting 2; minus strand). Cytogenetic location: 3p25.3.
Variant type: single nucleotide variant.
Coding change: c.2113A>T on transcript NM_001001331.4 (MANE Select); coding-DNA position 2113, A replaced by T.
Protein change: p.Ile705Phe; replaces isoleucine 705 with phenylalanine.
Molecular consequence: missense variant.
Genome position (GRCh38, 1-based): chr3:10,358,714, T>A on the plus strand (A>T on the coding strand, the complement: ATP2B2 is on the minus strand). VCF-style: chr3-10358714-T-A. GRCh37 (hg19) VCF-style: chr3-10400398-T-A.
Other names: c.1978A>T, p.Ile660Phe (NM_001330611.3, NM_001353564.1, NM_001363862.1 and 1 more transcripts); short protein forms I660F, I705F.
Identifiers: ClinVar variation 1314810 (VCV001314810.2), dbSNP rs2125445636, ClinGen allele CA351780297.